The following is an entry in ClinVar:

NM_003036.4(SKI):c.352G>A (p.Glu118Lys)

Gene: SKI (SKI proto-oncogene; plus strand). Cytogenetic location: 1p36.33.
Variant type: single nucleotide variant.
Coding change: c.352G>A on transcript NM_003036.4 (MANE Select); coding-DNA position 352, G replaced by A.
Protein change: p.Glu118Lys; replaces glutamic acid 118 with lysine.
Molecular consequence: missense variant.
Genome position (GRCh38, 1-based): chr1:2,229,118, G>A. VCF-style: chr1-2229118-G-A. GRCh37 (hg19) VCF-style: chr1-2160557-G-A.
Other names: short protein forms E118K.
Identifiers: ClinVar variation 222819 (VCV000222819.8), dbSNP rs869025525, ClinGen allele CA351850.
Genomic context (GRCh38, chr1:2,229,118, plus strand): 5'-ACCGAGCGCTGCGAGACCGTACTGGAAGGCGAGACCATCTCGTGCTTCGTGGTGGGAGGC[G>A]AGAAGCGCCTGTGTCTGCCGCAGATTCTCAACTCGGTGCTGCGCGACTTCTCGCTGCAGC-3'
Protein context (NP_003027.1, residues 108-128): ETISCFVVGG[Glu118Lys]KRLCLPQILN

ClinVar aggregate classification (germline): Conflicting classifications of pathogenicity. Review status: criteria provided, conflicting classifications (1 of 4 stars). 2 submissions from 2 submitters: Likely pathogenic (1); Uncertain significance (1). Last evaluated 2022-08-23.

Conditions:
SKI-related disorder. Also called: SKI-related condition.
Shprintzen-Goldberg syndrome (SGS). Also called: Marfanoid disorder with craniosynostosis type 1; Marfanoid craniosynostosis syndrome; Shprintzen-Goldberg marfanoid syndrome; SHPRINTZEN-GOLDBERG CRANIOSYNOSTOSIS SYNDROME; CRANIOSYNOSTOSIS WITH ARACHNODACTYLY AND ABDOMINAL HERNIAS. Identifiers: Orphanet 2462, MedGen C1321551, MONDO:0008426, OMIM 182212.

Submissions (2):

Labcorp Genetics (formerly Invitae), Labcorp
Classification: Uncertain significance for Shprintzen-Goldberg syndrome. Last evaluated: 2022-08-23. Review status: criteria provided, single submitter. Criteria: Invitae Variant Classification Sherloc (09022015). Collection method: clinical testing. Allele origin: germline.
Comment: ClinVar contains an entry for this variant (Variation ID: 222819). Advanced modeling of protein sequence and biophysical properties (such as structural, functional, and spatial information, amino acid conservation, physicochemical variation, residue mobility, and thermodynamic stability) performed at Invitae indicates that this missense variant is expected to disrupt SKI protein function. In summary, the available evidence is currently insufficient to determine the role of this variant in disease. Therefore, it has been classified as a Variant of Uncertain Significance. This sequence change replaces glutamic acid, which is acidic and polar, with lysine, which is basic and polar, at codon 118 of the SKI protein (p.Glu118Lys). This variant is not present in population databases (gnomAD no frequency). This variant has not been reported in the literature in individuals affected with SKI-related conditions.

Blueprint Genetics
Classification: Likely pathogenic for SKI-related disorders. Last evaluated: 2020-07-07. Review status: criteria provided, single submitter. Criteria: ACMG Guidelines, 2015. Collection method: clinical testing. Allele origin: germline. Affected: yes. Observed: 1 variant allele.